The following is an entry in ClinVar:

ClinVar aggregate classification (germline): Uncertain significance. Review status: criteria provided, multiple submitters, no conflicts (2 of 4 stars). 2 submissions from 2 submitters: Uncertain significance (2). Last evaluated 2024-02-19.

Conditions:
Familial focal epilepsy with variable foci (FPEVF). Identifiers: Orphanet 98820, MedGen C1858477, MONDO:0020310.

Allele frequency attached by ClinVar (database versions not stated): gnomAD exomes 0.00001.
gnomAD v4.1: 8 of 1,607,246 alleles (0.0005%); highest among the groups gnomAD compares: Non-Finnish European, 0.00068%; no homozygotes.

Submissions (2):

Labcorp Genetics (formerly Invitae), Labcorp
Classification: Uncertain significance for Familial focal epilepsy with variable foci. Last evaluated: 2024-02-19. Review status: criteria provided, single submitter. Criteria: Invitae Variant Classification Sherloc (09022015). Collection method: clinical testing. Allele origin: germline.
Comment: This sequence change replaces aspartic acid, which is acidic and polar, with glutamic acid, which is acidic and polar, at codon 346 of the DEPDC5 protein (p.Asp346Glu). This variant is not present in population databases (gnomAD no frequency). This variant has not been reported in the literature in individuals affected with DEPDC5-related conditions. ClinVar contains an entry for this variant (Variation ID: 1310181). Experimental studies and prediction algorithms are not available or were not evaluated, and the functional significance of this variant is currently unknown. In summary, the available evidence is currently insufficient to determine the role of this variant in disease. Therefore, it has been classified as a Variant of Uncertain Significance.

GeneDx
Classification: Uncertain significance. Last evaluated: 2019-11-13. Review status: criteria provided, single submitter. Criteria: GeneDx Variant Classification Process June 2021. Collection method: clinical testing. Allele origin: germline. Affected: yes.
Comment: Not observed in large population cohorts (Lek et al., 2016); In silico analysis, which includes protein predictors and evolutionary conservation, supports a deleterious effect; Has not been previously published as pathogenic or benign to our knowledge

NM_001242896.3(DEPDC5):c.1038C>G (p.Asp346Glu)

Gene: DEPDC5 (DEP domain containing 5, GATOR1 subcomplex subunit; plus strand). Cytogenetic location: 22q12.3.
Variant type: single nucleotide variant.
Coding change: c.1038C>G on transcript NM_001242896.3 (MANE Select); coding-DNA position 1038, C replaced by G.
Protein change: p.Asp346Glu; replaces aspartic acid 346 with glutamic acid.
Molecular consequence: missense variant. On other transcripts: non-coding transcript variant (5).
Genome position (GRCh38, 1-based): chr22:31,802,795, C>G. VCF-style: chr22-31802795-C-G. GRCh37 (hg19) VCF-style: chr22-32198781-C-G.
Other names: c.1038C>G, p.Asp346Glu (NM_001007188.4, NM_001136029.4, NM_001242897.2 and 7 more transcripts); c.954C>G, p.Asp318Glu (NM_001369901.1, NM_001369902.1); short protein forms D318E, D346E.
Identifiers: ClinVar variation 1310181 (VCV001310181.5), dbSNP rs1394753838, ClinGen allele CA411292923.